The following is an entry in ClinVar:

ClinVar aggregate classification (germline): Conflicting classifications of pathogenicity. Review status: criteria provided, conflicting classifications (1 of 4 stars). 3 submissions from 3 submitters: Uncertain significance (1); Likely benign (2). Last evaluated 2025-12-22.

Conditions:
Primary ciliary dyskinesia. Also called: Ciliary dyskinesia. Identifiers: Orphanet 244, MedGen C0008780, MONDO:0016575, HP:0012265.
Retinitis pigmentosa (RP). Identifiers: Orphanet 791, MedGen C0035334, MeSH D012174, MONDO:0019200, OMIM 268000. Inheritance: Autosomal dominant, autosomal recessive and X linked inheritance.

Submissions (3):

Labcorp Genetics (formerly Invitae), Labcorp
Classification: Uncertain significance for Primary ciliary dyskinesia. Last evaluated: 2025-12-22. Review status: criteria provided, single submitter. Criteria: Invitae Variant Classification Sherloc (09022015). Collection method: clinical testing. Allele origin: germline.
Comment: This variant, c.2993_2995del, results in the deletion of 1 amino acid(s) of the RPGR (ORF15) protein (p.Glu998del), but otherwise preserves the integrity of the reading frame. The frequency data for this variant in the population databases is considered unreliable, as metrics indicate poor data quality at this position in the gnomAD database. This variant has not been reported in the literature in individuals affected with RPGR (ORF15)-related conditions. Experimental studies and prediction algorithms are not available or were not evaluated, and the functional significance of this variant is currently unknown. In summary, the available evidence is currently insufficient to determine the role of this variant in disease. Therefore, it has been classified as a Variant of Uncertain Significance.

Blueprint Genetics
Classification: Likely benign. Last evaluated: 2023-12-01. Review status: criteria provided, single submitter. Criteria: ACMG Guidelines, 2015. Collection method: clinical testing. Allele origin: germline.

Mendelics
Classification: Likely benign for Retinitis pigmentosa. Last evaluated: 2019-05-28. Review status: criteria provided, single submitter. Criteria: Mendelics Assertion Criteria 2017. Collection method: clinical testing. Allele origin: unknown.

NM_001034853.2(RPGR):c.2987AAG[2] (p.Glu998del)

Gene: RPGR (retinitis pigmentosa GTPase regulator; minus strand). Cytogenetic location: Xp11.4.
Variant type: Microsatellite.
Coding change: c.2987AAG[2] on transcript NM_001034853.2 (MANE Select); two copies in a row of the 3-base unit AAG starting at c.2987; the reference has three copies in a row; one copy, 3 bases deleted.
Protein change: p.Glu998del; deletes glutamic acid 998.
Molecular consequence: inframe deletion. On other transcripts: intron variant (8).
Genome position (GRCh38, 1-based): chrX:38,286,004-38,286,006, CTT deleted on the plus strand (AAG on the coding strand, the reverse complement: RPGR is on the minus strand); deleting any 3 consecutive bases within chrX:38,286,004-38,286,013 gives the same sequence; the position shown is the placement nearest the transcript's 3' end. VCF-style (leftmost placement, unchanged base first): chrX-38286003-CCTT-C. GRCh37 (hg19) VCF-style: chrX-38145256-CCTT-C.
Other names: c.1569+4947AAG[2] (NM_001367249.1, NM_001367250.1); c.1902+1082AAG[2] (NM_001367245.1); c.1386+4947AAG[2] (NM_001367251.1); c.1719+1082AAG[2] (NM_001367246.1); c.1572+4947AAG[2] (NM_001367247.1); c.1905+1082AAG[2] (NM_000328.3); c.1602+4947AAG[2] (NM_001367248.1); short protein forms E998del.
Identifiers: ClinVar variation 803965 (VCV000803965.7), dbSNP rs1356107537, ClinGen allele CA640955076.